The following is an entry in ClinVar:

NM_001100913.3(PACS2):c.1785C>T (p.Ser595=)

Gene: PACS2 (phosphofurin acidic cluster sorting protein 2; plus strand). Cytogenetic location: 14q32.33.
Variant type: single nucleotide variant.
Coding change: c.1785C>T on transcript NM_001100913.3 (MANE Select); coding-DNA position 1785, C replaced by T.
Protein change: p.Ser595=; no amino-acid change (serine 595 retained).
Molecular consequence: synonymous variant.
Genome position (GRCh38, 1-based): chr14:105,384,357, C>T. VCF-style: chr14-105384357-C-T. GRCh37 (hg19) VCF-style: chr14-105850694-C-T.
Other names: c.1785C>T (NM_001100913.2); c.1548C>T, p.Ser516= (NM_001243127.3); c.1773C>T, p.Ser591= (NM_015197.4).
Identifiers: ClinVar variation 1167522 (VCV001167522.11), dbSNP rs139036959, ClinGen allele CA7389003.

ClinVar aggregate classification (germline): Benign/Likely benign. Review status: criteria provided, multiple submitters, no conflicts (2 of 4 stars). 3 submissions from 3 submitters: Benign (1); Likely benign (2). Last evaluated 2025-12-09.

Conditions:
PACS2-related disorder. Also called: PACS2-related condition.

Allele frequency attached by ClinVar (database versions not stated): gnomAD exomes 0.00007 and 0.00017; ExAC 0.00025; 1000 Genomes Project 0.00040; 1000 Genomes Project 30x 0.00062; TOPMed 0.00088; gnomAD 0.00089 and 0.00093; ESP Exome Variant Server 0.00123.
gnomAD v4.1: 242 of 1,604,228 alleles (0.015%); highest among the groups gnomAD compares: African/African-American, 0.29%; 1 homozygote.

Submissions (3):

Labcorp Genetics (formerly Invitae), Labcorp
Classification: Benign. Last evaluated: 2025-12-09. Review status: criteria provided, single submitter. Criteria: Invitae Variant Classification Sherloc (09022015). Collection method: clinical testing. Allele origin: germline.

PreventionGenetics, part of Exact Sciences
Classification: Likely benign for PACS2-related condition. Last evaluated: 2024-11-26. Review status: criteria provided, single submitter. Criteria: ACMG Guidelines, 2015. Collection method: clinical testing. Allele origin: germline.
Comment: This variant is classified as likely benign based on ACMG/AMP sequence variant interpretation guidelines (Richards et al. 2015 PMID: 25741868, with internal and published modifications).

Blueprint Genetics
Classification: Likely benign. Last evaluated: 2024-10-02. Review status: criteria provided, single submitter. Criteria: ACMG Guidelines, 2015. Collection method: clinical testing. Allele origin: germline.